The following is an entry in ClinVar:

ClinVar aggregate classification (germline): Uncertain significance. Review status: criteria provided, multiple submitters, no conflicts (2 of 4 stars). 2 submissions from 2 submitters: Uncertain significance (2). Last evaluated 2025-10-02.

Conditions:
Hereditary cancer-predisposing syndrome. Also called: Hereditary Cancer Syndrome; Hereditary neoplastic syndrome; Neoplastic Syndromes, Hereditary; Tumor predisposition. Identifiers: Orphanet 140162, MedGen C0027672, MeSH D009386, MONDO:0015356.
Hereditary nonpolyposis colorectal neoplasms. Identifiers: MedGen C0009405, MeSH D003123.

Submissions (2):

Labcorp Genetics (formerly Invitae), Labcorp
Classification: Uncertain significance for Hereditary nonpolyposis colorectal neoplasms. Last evaluated: 2025-10-02. Review status: criteria provided, single submitter. Criteria: Invitae Variant Classification Sherloc (09022015). Collection method: clinical testing. Allele origin: germline.
Comment: This sequence change replaces phenylalanine, which is neutral and non-polar, with cysteine, which is neutral and slightly polar, at codon 506 of the PMS2 protein (p.Phe506Cys). This variant is not present in population databases (gnomAD no frequency). This variant has not been reported in the literature in individuals affected with PMS2-related conditions. ClinVar contains an entry for this variant (Variation ID: 1774349). Invitae Evidence Modeling incorporating data from in vitro experimental studies (internal data) indicates that this missense variant is not expected to disrupt PMS2 function with a negative predictive value of 95%. In summary, the available evidence is currently insufficient to determine the role of this variant in disease. Therefore, it has been classified as a Variant of Uncertain Significance.

Ambry Genetics
Classification: Uncertain significance for Hereditary cancer-predisposing syndrome. Last evaluated: 2025-03-01. Review status: criteria provided, single submitter. Criteria: Ambry Variant Classification Scheme 2023. Collection method: clinical testing. Allele origin: germline.
Comment: The p.F506C variant (also known as c.1517T>G), located in coding exon 11 of the PMS2 gene, results from a T to G substitution at nucleotide position 1517. The phenylalanine at codon 506 is replaced by cysteine, an amino acid with highly dissimilar properties. This amino acid position is conserved. In addition, this alteration is predicted to be tolerated by in silico analysis. Since supporting evidence is limited at this time, the clinical significance of this alteration remains unclear.

NM_000535.7(PMS2):c.1517T>G (p.Phe506Cys)

Gene: PMS2 (PMS1 homolog 2, mismatch repair system component; minus strand). Cytogenetic location: 7p22.1.
Variant type: single nucleotide variant.
Coding change: c.1517T>G on transcript NM_000535.7 (MANE Select); coding-DNA position 1517, T replaced by G.
Protein change: p.Phe506Cys; replaces phenylalanine 506 with cysteine.
Molecular consequence: missense variant. On other transcripts: non-coding transcript variant (1).
Genome position (GRCh38, 1-based): chr7:5,987,248, A>C on the plus strand (T>G on the coding strand, the complement: PMS2 is on the minus strand). VCF-style: chr7-5987248-A-C. GRCh37 (hg19) VCF-style: chr7-6026879-A-C.
Other names: c.1112T>G, p.Phe371Cys (NM_001018040.1, NM_001322003.2, NM_001322004.2 and 17 more transcripts); c.1361T>G, p.Phe454Cys (NM_001322006.2, NM_001406870.1); c.1199T>G, p.Phe400Cys (NM_001322007.2, NM_001322008.2, NM_001406876.1 and 2 more transcripts); c.956T>G, p.Phe319Cys (NM_001322010.2, NM_001406906.1, NM_001406907.1); c.584T>G, p.Phe195Cys (NM_001322011.2, NM_001322012.2); c.944T>G, p.Phe315Cys (NM_001322013.2, NM_001406909.1); c.1517T>G, p.Phe506Cys (NM_001322014.2, NM_001406871.1, NM_001406872.1); c.1208T>G, p.Phe403Cys (NM_001322015.2, NM_001406875.1, NM_001406877.1 and 5 more transcripts); and 12 more; short protein forms F249C, F335C, F351C, F371C, F384C, F398C, F400C, F403C.
Identifiers: ClinVar variation 1774349 (VCV001774349.4), dbSNP rs1325463342, ClinGen allele CA366741700.
Genomic context (GRCh38, chr7:5,987,248, plus strand): 5'-TCCCCTGGGGAGCTGGCCGCATACTCGCTGCTGCAGTGACTGCCCGTGTCTGGGATGCTG[A>C]ACCCCTCAGAATCCACGGAAGTGCTGCCGTGCCCCGAGTCCTTCTCCACCTCCGCTCTGT-3'
Protein context (NP_000526.2, residues 496-516): HGSTSVDSEG[Phe506Cys]SIPDTGSHCS